The following is an entry in ClinVar:

ClinVar aggregate classification (germline): Uncertain significance (1 of 4 stars; one submission).

Conditions:
Werner syndrome (WRN). Identifiers: Orphanet 902, MedGen C0043119, MONDO:0010196, OMIM 277700.

Allele frequency attached by ClinVar (database versions not stated): gnomAD exomes below 0.00001; ExAC 0.00001.
gnomAD v4.1: 1 of 1,614,108 alleles (0.000062%); highest among the groups gnomAD compares: Non-Finnish European, 0.000085%; no homozygotes.

Submission:

Labcorp Genetics (formerly Invitae), Labcorp
Classification: Uncertain significance for Werner syndrome. Last evaluated: 2023-09-08. Review status: criteria provided, single submitter. Criteria: Invitae Variant Classification Sherloc (09022015). Collection method: clinical testing. Allele origin: germline.
Comment: This sequence change replaces isoleucine, which is neutral and non-polar, with valine, which is neutral and non-polar, at codon 1177 of the WRN protein (p.Ile1177Val). This variant is present in population databases (rs761354888, gnomAD 0.0009%). This variant has not been reported in the literature in individuals affected with WRN-related conditions. ClinVar contains an entry for this variant (Variation ID: 1524863). Algorithms developed to predict the effect of missense changes on protein structure and function output the following: SIFT: "Not Available"; PolyPhen-2: "Benign"; Align-GVGD: "Not Available". The valine amino acid residue is found in multiple mammalian species, which suggests that this missense change does not adversely affect protein function. In summary, the available evidence is currently insufficient to determine the role of this variant in disease. Therefore, it has been classified as a Variant of Uncertain Significance.

NM_000553.6(WRN):c.3529A>G (p.Ile1177Val)

Gene: WRN (WRN RecQ like helicase; plus strand). Cytogenetic location: 8p12.
Variant type: single nucleotide variant.
Coding change: c.3529A>G on transcript NM_000553.6 (MANE Select); coding-DNA position 3529, A replaced by G.
Protein change: p.Ile1177Val; replaces isoleucine 1177 with valine.
Molecular consequence: missense variant.
Genome position (GRCh38, 1-based): chr8:31,147,433, A>G. VCF-style: chr8-31147433-A-G. GRCh37 (hg19) VCF-style: chr8-31004949-A-G.
Other names: short protein forms I1177V.
Identifiers: ClinVar variation 1524863 (VCV001524863.6), dbSNP rs761354888, ClinGen allele CA4705096.